The following is an entry in ClinVar:

NM_018718.3(CEP41):c.357G>A (p.Ser119=)

Gene: CEP41 (centrosomal protein 41; minus strand). Cytogenetic location: 7q32.2.
Variant type: single nucleotide variant.
Coding change: c.357G>A on transcript NM_018718.3 (MANE Select); coding-DNA position 357, G replaced by A.
Protein change: p.Ser119=; no amino-acid change (serine 119 retained).
Molecular consequence: synonymous variant.
Genome position (GRCh38, 1-based): chr7:130,404,629, C>T on the plus strand (G>A on the coding strand, the complement: CEP41 is on the minus strand). VCF-style: chr7-130404629-C-T. GRCh37 (hg19) VCF-style: chr7-130044470-C-T.
Other names: c.357G>A, p.Ser119= (NM_001257158.2); c.309G>A, p.Ser103= (NM_001257159.2); c.357G>A (NM_018718.2).
Identifiers: ClinVar variation 1108991 (VCV001108991.13), dbSNP rs1179996142, ClinGen allele CA457656990.

ClinVar aggregate classification (germline): Likely benign. Review status: criteria provided, multiple submitters, no conflicts (2 of 4 stars). 4 submissions from 4 submitters: Likely benign (3). 1 of the submissions does not count toward it. Last evaluated 2025-04-28.

Conditions:
Joubert syndrome 15 (JBTS15). Identifiers: Orphanet 475, MedGen C3280897, MONDO:0013763, OMIM 614464.
CEP41-related disorder. Also called: CEP41-related condition.

Allele frequency attached by ClinVar (database versions not stated): gnomAD exomes 0.00001 and 0.00002; gnomAD 0.00003 and 0.00004; TOPMed 0.00003.
gnomAD v4.1: 32 of 1,613,352 alleles (0.002%); highest among the groups gnomAD compares: African/African-American, 0.0067%; no homozygotes.

Submissions (4):

Labcorp Genetics (formerly Invitae), Labcorp
Classification: Likely benign for Joubert syndrome 15. Last evaluated: 2025-04-28. Review status: criteria provided, single submitter. Criteria: Invitae Variant Classification Sherloc (09022015). Collection method: clinical testing. Allele origin: germline.

Blueprint Genetics
Classification: Likely benign. Last evaluated: 2022-06-08. Review status: criteria provided, single submitter. Criteria: ACMG Guidelines, 2015. Collection method: clinical testing. Allele origin: germline.

Breakthrough Genomics
Classification: Likely benign. Review status: criteria provided, single submitter. Criteria: ACMG Guidelines, 2015. Collection method: not provided. Allele origin: germline. Inheritance: Autosomal recessive inheritance. Affected: yes.

PreventionGenetics, part of Exact Sciences
Classification: Likely benign for CEP41-related condition. Last evaluated: 2023-07-26. Review status: no assertion criteria provided. Collection method: clinical testing. Allele origin: germline. Not counted in ClinVar's aggregate classification.
Comment: This variant is classified as likely benign based on ACMG/AMP sequence variant interpretation guidelines (Richards et al. 2015 PMID: 25741868, with internal and published modifications).